The following is an entry in ClinVar:

ClinVar aggregate classification (germline): Likely benign (1 of 4 stars; one submission).

gnomAD v4.1: 1 of 1,611,848 alleles (0.000062%); highest among the groups gnomAD compares: Admixed American, 0.0017%; no homozygotes.

Submission:

CeGaT Center for Human Genetics Tuebingen
Classification: Likely benign. Last evaluated: 2025-10-01. Review status: criteria provided, single submitter. Criteria: CeGaT Center For Human Genetics Tuebingen Variant Classification Criteria Version 2. Collection method: clinical testing. Allele origin: germline. Affected: yes. Observed: 1 variant allele.
Comment: USP25: PM2:Supporting, BP4, BP7

NM_001283041.3(USP25):c.321C>T (p.Ala107=)

Gene: USP25 (ubiquitin specific peptidase 25; plus strand). Cytogenetic location: 21q21.1.
Variant type: single nucleotide variant.
Coding change: c.321C>T on transcript NM_001283041.3 (MANE Select); coding-DNA position 321, C replaced by T.
Protein change: p.Ala107=; no amino-acid change (alanine 107 retained).
Molecular consequence: synonymous variant. On other transcripts: 5 prime UTR variant (5), intron variant (1).
Genome position (GRCh38, 1-based): chr21:15,777,956, C>T. VCF-style: chr21-15777956-C-T. GRCh37 (hg19) VCF-style: chr21-17150275-C-T.
Other names: c.321C>T, p.Ala107= (NM_001283042.3, NM_013396.6); c.-343C>T (NM_001352560.2, NM_001388299.1); c.-764C>T (NM_001388300.1); c.-1016C>T (NM_001388301.1, NM_001388302.1); c.-945+11815C>T (NM_001352561.2).
Identifiers: ClinVar variation 4534985 (VCV004534985.6).